The following is an entry in ClinVar:

NM_001378477.3(NYX):c.722C>G (p.Pro241Arg)

Gene: NYX (nyctalopin; plus strand). Cytogenetic location: Xp11.4.
Variant type: single nucleotide variant.
Coding change: c.722C>G on transcript NM_001378477.3 (MANE Select); coding-DNA position 722, C replaced by G.
Protein change: p.Pro241Arg; replaces proline 241 with arginine.
Molecular consequence: missense variant.
Genome position (GRCh38, 1-based): chrX:41,474,190, C>G. VCF-style: chrX-41474190-C-G. GRCh37 (hg19) VCF-style: chrX-41333443-C-G.
Other names: c.722C>G, p.Pro241Arg (NM_022567.3); short protein forms P241R.
Identifiers: ClinVar variation 1423193 (VCV001423193.8), dbSNP rs763017414, ClinGen allele CA10389847.
Genomic context (GRCh38, chrX:41,474,190, plus strand): 5'-TCGGGGACTGTGGCGTCCTGGAGCATCTGCTGCTCAACGACAACCTGCTGGCCGAGCTCC[C>G]GGCCGACGCCTTCCGCGGCCTGCGGCGCCTGCGCACGCTCAACCTGGGTGGCAACGCGCT-3'
Protein context (NP_001365406.2, residues 231-251): LLNDNLLAEL[Pro241Arg]ADAFRGLRRL

ClinVar aggregate classification (germline): Uncertain significance (1 of 4 stars; one submission).

gnomAD v4.1: 17 of 1,165,515 alleles (0.0015%); highest among the groups gnomAD compares: East Asian, 0.047%; no homozygotes.

Submission:

Labcorp Genetics (formerly Invitae), Labcorp
Classification: Uncertain significance. Last evaluated: 2022-09-25. Review status: criteria provided, single submitter. Criteria: Invitae Variant Classification Sherloc (09022015). Collection method: clinical testing. Allele origin: germline.
Comment: ClinVar contains an entry for this variant (Variation ID: 1423193). Advanced modeling of protein sequence and biophysical properties (such as structural, functional, and spatial information, amino acid conservation, physicochemical variation, residue mobility, and thermodynamic stability) performed at Invitae indicates that this missense variant is not expected to disrupt NYX protein function. In summary, the available evidence is currently insufficient to determine the role of this variant in disease. Therefore, it has been classified as a Variant of Uncertain Significance. This sequence change replaces proline, which is neutral and non-polar, with arginine, which is basic and polar, at codon 246 of the NYX protein (p.Pro246Arg). This variant is present in population databases (rs763017414, gnomAD 0.05%). This variant has not been reported in the literature in individuals affected with NYX-related conditions.